The following is an entry in ClinVar:

NM_021098.3(CACNA1H):c.502G>A (p.Gly168Ser)

Gene: CACNA1H (calcium voltage-gated channel subunit alpha1 H; plus strand). Cytogenetic location: 16p13.3.
Variant type: single nucleotide variant.
Coding change: c.502G>A on transcript NM_021098.3 (MANE Select); coding-DNA position 502, G replaced by A.
Protein change: p.Gly168Ser; replaces glycine 168 with serine.
Molecular consequence: missense variant.
Genome position (GRCh38, 1-based): chr16:1,195,522, G>A. VCF-style: chr16-1195522-G-A. GRCh37 (hg19) VCF-style: chr16-1245522-G-A.
Other names: c.502G>A, p.Gly168Ser (NM_001005407.2); short protein forms G168S.
Identifiers: ClinVar variation 1032115 (VCV001032115.2), dbSNP rs1966875937, ClinGen allele CA394152923.

ClinVar aggregate classification (germline): Uncertain significance. Review status: criteria provided, multiple submitters, no conflicts (2 of 4 stars). 2 submissions from 2 submitters: Uncertain significance (2). Last evaluated 2024-01-16.

Conditions:
Hyperaldosteronism, familial, type IV (HALD4). Also called: FH IV; ALDOSTERONISM, PRIMARY, AND HYPERTENSION. Identifiers: Orphanet 642671, MedGen C4310756, MONDO:0014875, OMIM 617027.
Epilepsy, childhood absence, susceptibility to, 6. Identifiers: Orphanet 64280, MedGen C2749872, MONDO:0012763, OMIM 611942.

Allele frequency attached by ClinVar (database versions not stated): gnomAD exomes below 0.00001.
gnomAD v4.1: 3 of 1,605,008 alleles (0.00019%); highest among the groups gnomAD compares: Non-Finnish European, 0.00026%; no homozygotes.

Submissions (2):

Fulgent Genetics
Classification: Uncertain significance for Epilepsy, childhood absence, susceptibility to, 6; Hyperaldosteronism, familial, type IV. Last evaluated: 2024-01-16. Review status: criteria provided, single submitter. Criteria: ACMG Guidelines, 2015. Collection method: clinical testing. Allele origin: germline.

Baylor Genetics
Classification: Uncertain significance for Epilepsy, childhood absence, susceptibility to, 6. Last evaluated: 2018-09-11. Review status: criteria provided, single submitter. Criteria: ACMG Guidelines, 2015. Collection method: clinical testing. Allele origin: paternal. Affected: yes.
Comment: This variant was determined to be of uncertain significance according to ACMG Guidelines, 2015 [PMID:25741868].